The following is an entry in ClinVar:

NM_001458.5(FLNC):c.6748A>C (p.Met2250Leu)

Genes: FLNC (filamin C; plus strand), FLNC-AS1 (FLNC antisense RNA 1; minus strand). Cytogenetic location: 7q32.1.
Variant type: single nucleotide variant.
Coding change: c.6748A>C on transcript NM_001458.5 (MANE Select); coding-DNA position 6748, A replaced by C.
Protein change: p.Met2250Leu; replaces methionine 2250 with leucine.
Molecular consequence: missense variant.
Genome position (GRCh38, 1-based): chr7:128,854,433, A>C. VCF-style: chr7-128854433-A-C. GRCh37 (hg19) VCF-style: chr7-128494487-A-C.
Other names: c.6649A>C, p.Met2217Leu (NM_001127487.2); short protein forms M2250L, M2217L.
Identifiers: ClinVar variation 487622 (VCV000487622.13), dbSNP rs923795184, ClinGen allele CA166191587.

ClinVar aggregate classification (germline): Conflicting classifications of pathogenicity. Review status: criteria provided, conflicting classifications (1 of 4 stars). 4 submissions from 4 submitters: Uncertain significance (2); Likely benign (1). 1 of the submissions does not count toward it. Last evaluated 2026-01-09.

Conditions:
Myofibrillar myopathy 5. Also called: Filaminopathy (type); FILAMINOPATHY, AUTOSOMAL DOMINANT. Identifiers: Orphanet 171445, MedGen C1836050, MONDO:0012289, OMIM 609524.
Hypertrophic cardiomyopathy 26. Also called: Cardiomyopathy, familial hypertrophic, 26. Identifiers: Orphanet 75249, MedGen C4310749, MONDO:0014883, OMIM 617047.
Distal myopathy with posterior leg and anterior hand involvement. Also called: WILLIAMS DISTAL MYOPATHY. Identifiers: Orphanet 63273, MedGen C3279722, MONDO:0013550, OMIM 614065.
FLNC-related disorder. Also called: FLNC-related condition; FLNC-related disorders.
Wolff-Parkinson-White pattern. Also called: WPW SYNDROME; Auriculoventricular accessory pathway syndrome; False bundle branch block syndrome; Anomalous ventricular excitation syndrome. Identifiers: MedGen C0043202, MONDO:0008685, OMIM 194200, HP:0001716.

Allele frequency attached by ClinVar (database versions not stated): gnomAD exomes below 0.00001; gnomAD 0.00001; TOPMed 0.00001.

Submissions (4):

Labcorp Genetics (formerly Invitae), Labcorp
Classification: Likely benign for Distal myopathy with posterior leg and anterior hand involvement; Myofibrillar myopathy 5; Hypertrophic cardiomyopathy 26. Last evaluated: 2026-01-09. Review status: criteria provided, single submitter. Criteria: Invitae Variant Classification Sherloc (09022015). Collection method: clinical testing. Allele origin: germline.

PreventionGenetics, part of Exact Sciences
Classification: Uncertain significance for FLNC-related condition. Last evaluated: 2025-10-15. Review status: criteria provided, single submitter. Criteria: ACMG Guidelines, 2015. Collection method: clinical testing. Allele origin: germline.
Comment: The FLNC c.6748A>C variant is predicted to result in the amino acid substitution p.Met2250Leu. To our knowledge, this variant has not been reported in the literature. This variant is reported in 0.0016% of alleles in individuals of European (Non-Finnish) descent in gnomAD. At this time, the clinical significance of this variant is uncertain due to the absence of conclusive functional and genetic evidence.

GeneDx
Classification: Uncertain significance. Last evaluated: 2022-01-14. Review status: criteria provided, single submitter. Criteria: GeneDx Variant Classification Process June 2021. Collection method: clinical testing. Allele origin: germline. Affected: yes.
Comment: Not observed at significant frequency in large population cohorts (gnomAD); In silico analysis supports that this missense variant does not alter protein structure/function; Has not been previously published as pathogenic or benign to our knowledge

Lupski Lab, Baylor-Hopkins CMG, Baylor College of Medicine
Classification: Uncertain significance for Wolff-Parkinson-White pattern. Last evaluated: 2017-07-14. Review status: no assertion criteria provided. Collection method: research. Allele origin: inherited. Affected: yes. Observed: 1 variant allele. Study: Candidate_variants_in_patients_with_ Wolff-Parkinson-White Syndrome. Not counted in ClinVar's aggregate classification.